The following is an entry in ClinVar:

NM_005068.3(SIM1):c.99C>A (p.Ile33=)

Gene: SIM1 (SIM bHLH transcription factor 1; minus strand). Cytogenetic location: 6q16.3.
Variant type: single nucleotide variant.
Coding change: c.99C>A on transcript NM_005068.3 (MANE Select); coding-DNA position 99, C replaced by A.
Protein change: p.Ile33=; no amino-acid change (isoleucine 33 retained).
Molecular consequence: synonymous variant.
Genome position (GRCh38, 1-based): chr6:100,463,370, G>T on the plus strand (C>A on the coding strand, the complement: SIM1 is on the minus strand). VCF-style: chr6-100463370-G-T. GRCh37 (hg19) VCF-style: chr6-100911246-G-T.
Other names: c.99C>A, p.Ile33= (NM_001374769.1).
Identifiers: ClinVar variation 3356054 (VCV003356054.1).

ClinVar aggregate classification (germline): Likely benign (0 of 4 stars; one submission).

Conditions:
SIM1-related disorder. Also called: SIM1-related condition; SIM1-related disorders.

Submission:

PreventionGenetics, part of Exact Sciences
Classification: Likely benign for SIM1-related condition. Last evaluated: 2023-05-04. Review status: no assertion criteria provided. Collection method: clinical testing. Allele origin: germline.
Comment: This variant is classified as likely benign based on ACMG/AMP sequence variant interpretation guidelines (Richards et al. 2015 PMID: 25741868, with internal and published modifications).